The following is an entry in ClinVar:

NM_001244008.2(KIF1A):c.4993G>A (p.Val1665Ile)

Gene: KIF1A (kinesin family member 1A; minus strand). Cytogenetic location: 2q37.3.
Variant type: single nucleotide variant.
Coding change: c.4993G>A on transcript NM_001244008.2 (MANE Select); coding-DNA position 4993, G replaced by A.
Protein change: p.Val1665Ile; replaces valine 1665 with isoleucine.
Molecular consequence: missense variant.
Genome position (GRCh38, 1-based): chr2:240,719,802, C>T on the plus strand (G>A on the coding strand, the complement: KIF1A is on the minus strand). VCF-style: chr2-240719802-C-T. GRCh37 (hg19) VCF-style: chr2-241659219-C-T.
Other names: c.4717G>A, p.Val1573Ile (NM_001320705.2, NM_001379649.1); c.4744G>A, p.Val1582Ile (NM_001330289.2); c.4792G>A, p.Val1598Ile (NM_001330290.2, NM_001379648.1); c.5068G>A, p.Val1690Ile (NM_001379631.1); c.4969G>A, p.Val1657Ile (NM_001379632.1); c.4966G>A, p.Val1656Ile (NM_001379633.1, NM_001379645.1); c.4819G>A, p.Val1607Ile (NM_001379634.1); c.4816G>A, p.Val1606Ile (NM_001379635.1, NM_001379646.1); and 7 more; short protein forms V1581I, V1582I, V1656I, V1573I, V1598I, V1606I, V1607I, V1665I.
Identifiers: ClinVar variation 2061458 (VCV002061458.3), dbSNP rs1394063648, ClinGen allele CA351300130.

ClinVar aggregate classification (germline): Uncertain significance (1 of 4 stars; one submission).

Conditions:
Hereditary spastic paraplegia 30. Identifiers: Orphanet 101010, MedGen C5235139, MONDO:0012476.
Neuropathy, hereditary sensory, type 2C. Also called: Hereditary sensory and autonomic neuropathy type IIC; KIF1A-Related HSAN2 (HSAN2C). Identifiers: Orphanet 970, MedGen C3280168, MONDO:0013634, OMIM 614213.
Intellectual disability, autosomal dominant 9 (NESCAVS). Also called: NESCAV SYNDROME; KIF1A-Related Neurodevelopmental Disorder. Identifiers: Orphanet 662367, MedGen C5393830, MONDO:0013656, OMIM 614255.

Submission:

Labcorp Genetics (formerly Invitae), Labcorp
Classification: Uncertain significance for Hereditary spastic paraplegia 30; Neuropathy, hereditary sensory, type 2C; Intellectual disability, autosomal dominant 9. Last evaluated: 2025-10-24. Review status: criteria provided, single submitter. Criteria: Invitae Variant Classification Sherloc (09022015). Collection method: clinical testing. Allele origin: germline.
Comment: This sequence change replaces valine, which is neutral and non-polar, with isoleucine, which is neutral and non-polar, at codon 1564 of the KIF1A protein (p.Val1564Ile). This variant is not present in population databases (gnomAD no frequency). This variant has not been reported in the literature in individuals affected with KIF1A-related conditions. ClinVar contains an entry for this variant (Variation ID: 2061458). Invitae Evidence Modeling of protein sequence and biophysical properties (such as structural, functional, and spatial information, amino acid conservation, physicochemical variation, residue mobility, and thermodynamic stability) indicates that this missense variant is not expected to disrupt KIF1A protein function with a negative predictive value of 95%. In summary, the available evidence is currently insufficient to determine the role of this variant in disease. Therefore, it has been classified as a Variant of Uncertain Significance.